The following is an entry in ClinVar:

ClinVar aggregate classification (germline): Conflicting classifications of pathogenicity. Review status: criteria provided, conflicting classifications (1 of 4 stars). 4 submissions from 4 submitters: Uncertain significance (3); Benign (1). Last evaluated 2025-12-01.

Conditions:
Hereditary cancer-predisposing syndrome. Also called: Neoplastic Syndromes, Hereditary; Hereditary neoplastic syndrome; Hereditary Cancer Syndrome; Tumor predisposition. Identifiers: Orphanet 140162, MedGen C0027672, MeSH D009386, MONDO:0015356.
Tuberous sclerosis 2 (TSC2). Identifiers: Orphanet 805, MedGen C1860707, MONDO:0013199, OMIM 613254.

Allele frequency attached by ClinVar (database versions not stated): TOPMed 0.00001.

Submissions (4):

Labcorp Genetics (formerly Invitae), Labcorp
Classification: Benign for Tuberous sclerosis 2. Last evaluated: 2025-12-01. Review status: criteria provided, single submitter. Criteria: Invitae Variant Classification Sherloc (09022015). Collection method: clinical testing. Allele origin: germline.

Ambry Genetics
Classification: Uncertain significance for Hereditary cancer-predisposing syndrome. Last evaluated: 2024-06-26. Review status: criteria provided, single submitter. Criteria: Ambry Variant Classification Scheme 2023. Collection method: clinical testing. Allele origin: germline.
Comment: The p.C395Y variant (also known as c.1184G>A), located in coding exon 11 of the TSC2 gene, results from a G to A substitution at nucleotide position 1184. The cysteine at codon 395 is replaced by tyrosine, an amino acid with highly dissimilar properties. This amino acid position is not well conserved in available vertebrate species. In addition, the in silico prediction for this alteration is inconclusive. Based on the available evidence, the clinical significance of this variant remains unclear.

Genome-Nilou Lab
Classification: Uncertain significance for Tuberous sclerosis 2. Last evaluated: 2021-11-07. Review status: criteria provided, single submitter. Criteria: ACMG Guidelines, 2015. Collection method: clinical testing. Allele origin: germline. Affected: no.

Human Genome Sequencing Center Clinical Lab, Baylor College of Medicine
Classification: Uncertain significance for Tuberous sclerosis type 2. Review status: criteria provided, single submitter. Criteria: ACMG Guidelines, 2015. Collection method: clinical testing. Allele origin: germline.

NM_000548.5(TSC2):c.1184G>A (p.Cys395Tyr)

Gene: TSC2 (TSC complex subunit 2; plus strand). Cytogenetic location: 16p13.3.
Variant type: single nucleotide variant.
Coding change: c.1184G>A on transcript NM_000548.5 (MANE Select); coding-DNA position 1184, G replaced by A.
Protein change: p.Cys395Tyr; replaces cysteine 395 with tyrosine.
Molecular consequence: missense variant.
Genome position (GRCh38, 1-based): chr16:2,061,935, G>A. VCF-style: chr16-2061935-G-A. GRCh37 (hg19) VCF-style: chr16-2111936-G-A.
Other names: c.1184G>A, p.Cys395Tyr (NM_001077183.3, NM_001114382.3, NM_001363528.2 and 3 more transcripts); c.1073G>A, p.Cys358Tyr (NM_001318827.2); c.1037G>A, p.Cys346Tyr (NM_001318829.2); c.584G>A, p.Cys195Tyr (NM_001318831.2); c.1217G>A, p.Cys406Tyr (NM_001318832.2); short protein forms C195Y, C346Y, C395Y, C406Y, C358Y.
Identifiers: ClinVar variation 655467 (VCV000655467.15), dbSNP rs1026632436, ClinGen allele CA276777444.